The following is an entry in ClinVar:

NM_000815.5(GABRD):c.69-618G>A

Gene: GABRD (gamma-aminobutyric acid type A receptor subunit delta; plus strand). Cytogenetic location: 1p36.33.
Variant type: single nucleotide variant.
Coding change: c.69-618G>A on transcript NM_000815.5 (MANE Select); 618 bases into the intron before coding-DNA position 69, G replaced by A.
Molecular consequence: intron variant.
Genome position (GRCh38, 1-based): chr1:2,024,324, G>A. VCF-style: chr1-2024324-G-A. GRCh37 (hg19) VCF-style: chr1-1955763-G-A.
Identifiers: ClinVar variation 2638071 (VCV002638071.24), dbSNP rs141152470, ClinGen allele CA16884133.

ClinVar aggregate classification (germline): Benign (1 of 4 stars; one submission).

Allele frequency attached by ClinVar (database versions not stated): 1000 Genomes Project 0.00160; 1000 Genomes Project 30x 0.00187.

Submission:

CeGaT Center for Human Genetics Tuebingen
Classification: Benign. Last evaluated: 2022-10-01. Review status: criteria provided, single submitter. Criteria: CeGaT Center For Human Genetics Tuebingen Variant Classification Criteria Version 2. Collection method: clinical testing. Allele origin: germline. Affected: yes. Observed: 3 variant alleles.
Comment: GABRD: BS1, BS2